The following is an entry in ClinVar:

ClinVar aggregate classification (germline): Likely pathogenic (1 of 4 stars; one submission).

Conditions:
Alkaptonuria (AKU). Also called: Alcaptonuria; Alkaptonuric ochronosis; HOMOGENTISIC ACID OXIDASE DEFICIENCY; Homogentisic acidura. Identifiers: Orphanet 56, MedGen C0002066, MONDO:0008753, OMIM 203500.

Submission:

Myriad Genetics, Inc.
Classification: Likely pathogenic for Alkaptonuria. Last evaluated: 2022-01-02. Review status: criteria provided, single submitter. Criteria: Myriad Women's Health Autosomal Recessive and X-Linked Classification Criteria (2021). Collection method: clinical testing. Allele origin: unknown.
Comment: NM_000187.3(HGD):c.186T>A(Y62*) is expected to be pathogenic in the context of alkaptonuria. This variant is predicted to lead to an abnormal or absent protein product due to the creation of a premature termination codon in HGD, a gene where loss-of-function variants are known to be pathogenic. Please note: this variant was assessed in the context of healthy population screening.

NM_000187.4(HGD):c.186T>A (p.Tyr62Ter)

Gene: HGD (homogentisate 1,2-dioxygenase; minus strand). Cytogenetic location: 3q13.33.
Variant type: single nucleotide variant.
Coding change: c.186T>A on transcript NM_000187.4 (MANE Select); coding-DNA position 186, T replaced by A.
Protein change: p.Tyr62Ter; replaces tyrosine 62 with a stop codon.
Molecular consequence: nonsense.
Genome position (GRCh38, 1-based): chr3:120,670,523, A>T on the plus strand (T>A on the coding strand, the complement: HGD is on the minus strand). VCF-style: chr3-120670523-A-T. GRCh37 (hg19) VCF-style: chr3-120389370-A-T.
Other names: short protein forms Y62*.
Identifiers: ClinVar variation 1726791 (VCV001726791.2), dbSNP rs2107548853, ClinGen allele CA354081571.
Genomic context (GRCh38, chr3:120,670,523, plus strand): 5'-AGTGACTTGGCCTTCGTCAATGGATTCAAAGGGCTTGTGAGAAACTGAAGGTAGAATCCT[A>T]TACAGCCAGCTAGAGGGAAAAACATACAAGATATACAAGCCTTAGAGTAATGTTCTGAGT-3'